The following is an entry in ClinVar:

ClinVar aggregate classification (germline): Uncertain significance (1 of 4 stars; one submission).

Allele frequency attached by ClinVar (database versions not stated): TOPMed 0.00001; gnomAD exomes 0.00002; ExAC 0.00003; gnomAD 0.00003.
gnomAD v4.1: 34 of 1,608,864 alleles (0.0021%); highest among the groups gnomAD compares: Non-Finnish European, 0.00034%; no homozygotes.

Submission:

Labcorp Genetics (formerly Invitae), Labcorp
Classification: Uncertain significance. Last evaluated: 2022-09-07. Review status: criteria provided, single submitter. Criteria: Invitae Variant Classification Sherloc (09022015). Collection method: clinical testing. Allele origin: germline.
Comment: This sequence change replaces alanine, which is neutral and non-polar, with glycine, which is neutral and non-polar, at codon 488 of the TBCK protein (p.Ala488Gly). This variant is present in population databases (rs779039648, gnomAD 0.04%). This variant has not been reported in the literature in individuals affected with TBCK-related conditions. Algorithms developed to predict the effect of missense changes on protein structure and function (SIFT, PolyPhen-2, Align-GVGD) all suggest that this variant is likely to be tolerated. In summary, the available evidence is currently insufficient to determine the role of this variant in disease. Therefore, it has been classified as a Variant of Uncertain Significance.

NM_001163435.3(TBCK):c.1463C>G (p.Ala488Gly)

Gene: TBCK (TBC1 domain containing kinase; minus strand). Cytogenetic location: 4q24.
Variant type: single nucleotide variant.
Coding change: c.1463C>G on transcript NM_001163435.3 (MANE Select); coding-DNA position 1463, C replaced by G.
Protein change: p.Ala488Gly; replaces alanine 488 with glycine.
Molecular consequence: missense variant.
Genome position (GRCh38, 1-based): chr4:106,233,637, G>C on the plus strand (C>G on the coding strand, the complement: TBCK is on the minus strand). VCF-style: chr4-106233637-G-C. GRCh37 (hg19) VCF-style: chr4-107154794-G-C.
Other names: c.1463C>G, p.Ala488Gly (NM_001163436.4); c.1346C>G, p.Ala449Gly (NM_001163437.3); c.947C>G, p.Ala316Gly (NM_001290768.2); c.1274C>G, p.Ala425Gly (NM_033115.5); short protein forms A316G, A425G, A449G, A488G.
Identifiers: ClinVar variation 2428307 (VCV002428307.3), dbSNP rs779039648, ClinGen allele CA3035051.